The following is an entry in ClinVar:

NM_001166114.2(PNPLA6):c.1124G>A (p.Gly375Glu)

Gene: PNPLA6 (patatin like domain 6, lysophospholipase; plus strand). Cytogenetic location: 19p13.2.
Variant type: single nucleotide variant.
Coding change: c.1124G>A on transcript NM_001166114.2 (MANE Select); coding-DNA position 1124, G replaced by A.
Protein change: p.Gly375Glu; replaces glycine 375 with glutamic acid.
Molecular consequence: missense variant.
Genome position (GRCh38, 1-based): chr19:7,541,640, G>A. VCF-style: chr19-7541640-G-A. GRCh37 (hg19) VCF-style: chr19-7606526-G-A.
Other names: c.1151G>A, p.Gly384Glu (NM_001166111.2); c.1007G>A, p.Gly336Glu (NM_001166112.2, NM_001166113.1, NM_006702.5); short protein forms G375E, G384E, G336E.
Identifiers: ClinVar variation 950689 (VCV000950689.9), dbSNP rs1163920380, ClinGen allele CA403109804.

ClinVar aggregate classification (germline): Uncertain significance (1 of 4 stars; one submission).

Conditions:
Hereditary spastic paraplegia 39 (SPG39). Also called: SPASTIC PARAPLEGIA 39, AUTOSOMAL RECESSIVE; Spastic Paraplegia Type 39 (SPG39). Identifiers: Orphanet 139480, MedGen C2677586, MONDO:0012787, OMIM 612020.

Allele frequency attached by ClinVar (database versions not stated): gnomAD exomes 0.00001.
gnomAD v4.1: 3 of 1,586,442 alleles (0.00019%); highest among the groups gnomAD compares: Admixed American, 0.0018%; no homozygotes.

Submission:

Labcorp Genetics (formerly Invitae), Labcorp
Classification: Uncertain significance for Hereditary spastic paraplegia 39. Last evaluated: 2019-06-07. Review status: criteria provided, single submitter. Criteria: Invitae Variant Classification Sherloc (09022015). Collection method: clinical testing. Allele origin: germline.
Comment: In summary, the available evidence is currently insufficient to determine the role of this variant in disease. Therefore, it has been classified as a Variant of Uncertain Significance. Algorithms developed to predict the effect of missense changes on protein structure and function (SIFT, PolyPhen-2, Align-GVGD) all suggest that this variant is likely to be tolerated, but these predictions have not been confirmed by published functional studies and their clinical significance is uncertain. This variant has not been reported in the literature in individuals with PNPLA6-related conditions. This variant is not present in population databases (ExAC no frequency). This sequence change replaces glycine with glutamic acid at codon 336 of the PNPLA6 protein (p.Gly336Glu). The glycine residue is weakly conserved and there is a moderate physicochemical difference between glycine and glutamic acid.